The following is an entry in ClinVar:

NM_000051.4(ATM):c.4932G>A (p.Met1644Ile)

Gene: ATM (ATM serine/threonine kinase; plus strand). Cytogenetic location: 11q22.3.
Variant type: single nucleotide variant.
Coding change: c.4932G>A on transcript NM_000051.4 (MANE Select); coding-DNA position 4932, G replaced by A.
Protein change: p.Met1644Ile; replaces methionine 1644 with isoleucine.
Molecular consequence: missense variant.
Genome position (GRCh38, 1-based): chr11:108,297,309, G>A. VCF-style: chr11-108297309-G-A. GRCh37 (hg19) VCF-style: chr11-108168036-G-A.
Other names: c.4932G>A, p.Met1644Ile (NM_001351834.2); short protein forms M1644I.
Identifiers: ClinVar variation 825305 (VCV000825305.10), dbSNP rs730881371, ClinGen allele CA382538136.

ClinVar aggregate classification (germline): Uncertain significance. Review status: criteria provided, multiple submitters, no conflicts (2 of 4 stars). 3 submissions from 3 submitters: Uncertain significance (3). Last evaluated 2025-01-19.

Conditions:
Hereditary cancer-predisposing syndrome. Also called: Neoplastic Syndromes, Hereditary; Hereditary Cancer Syndrome; Hereditary neoplastic syndrome; Tumor predisposition. Identifiers: Orphanet 140162, MedGen C0027672, MeSH D009386, MONDO:0015356.
Ataxia-telangiectasia syndrome (AT). Also called: ATAXIA-TELANGIECTASIA, COMPLEMENTATION GROUP A; ATAXIA-TELANGIECTASIA, FRESNO VARIANT; Ataxia-telangiectasia, complementation group E; Ataxia telangiectasia (A-T); LOUIS-BAR SYNDROME; Cerebello-oculocutaneous telangiectasia. Identifiers: Orphanet 100, MedGen C0004135, MONDO:0008840, OMIM 208900.

Submissions (3):

Labcorp Genetics (formerly Invitae), Labcorp
Classification: Uncertain significance for Ataxia-telangiectasia syndrome. Last evaluated: 2025-01-19. Review status: criteria provided, single submitter. Criteria: Invitae Variant Classification Sherloc (09022015). Collection method: clinical testing. Allele origin: germline.
Comment: This sequence change replaces methionine, which is neutral and non-polar, with isoleucine, which is neutral and non-polar, at codon 1644 of the ATM protein (p.Met1644Ile). This variant is not present in population databases (gnomAD no frequency). This variant has not been reported in the literature in individuals affected with ATM-related conditions. ClinVar contains an entry for this variant (Variation ID: 825305). Invitae Evidence Modeling of protein sequence and biophysical properties (such as structural, functional, and spatial information, amino acid conservation, physicochemical variation, residue mobility, and thermodynamic stability) indicates that this missense variant is not expected to disrupt ATM protein function with a negative predictive value of 95%. Algorithms developed to predict the effect of sequence changes on RNA splicing suggest that this variant may disrupt the consensus splice site. In summary, the available evidence is currently insufficient to determine the role of this variant in disease. Therefore, it has been classified as a Variant of Uncertain Significance.

GeneDx
Classification: Uncertain significance. Last evaluated: 2024-12-26. Review status: criteria provided, single submitter. Criteria: GeneDx Variant Classification Process June 2021. Collection method: clinical testing. Allele origin: germline. Affected: yes.
Comment: Not observed at significant frequency in large population cohorts (gnomAD); In silico analysis indicates that this missense variant does not alter protein structure/function; This variant is associated with the following publications: (PMID: 28779002, 29684080, 35585550)

Ambry Genetics
Classification: Uncertain significance for Hereditary cancer-predisposing syndrome. Last evaluated: 2019-11-06. Review status: criteria provided, single submitter. Criteria: Ambry Variant Classification Scheme 2023. Collection method: clinical testing. Allele origin: germline.
Comment: The p.M1644I variant (also known as c.4932G>A), located in coding exon 32 of the ATM gene, results from a G to A substitution at nucleotide position 4932. The methionine at codon 1644 is replaced by isoleucine, an amino acid with highly similar properties. This amino acid position is not well conserved in available vertebrate species. In addition, this alteration is predicted to be tolerated by in silico analysis. Since supporting evidence is limited at this time, the clinical significance of this alteration remains unclear.